The following is an entry in ClinVar:

NM_212482.4(FN1):c.6566T>C (p.Leu2189Pro)

Gene: FN1 (fibronectin 1; minus strand). Cytogenetic location: 2q35.
Variant type: single nucleotide variant.
Coding change: c.6566T>C on transcript NM_212482.4 (MANE Select); coding-DNA position 6566, T replaced by C.
Protein change: p.Leu2189Pro; replaces leucine 2189 with proline.
Molecular consequence: missense variant. On other transcripts: intron variant (10).
Genome position (GRCh38, 1-based): chr2:215,372,057, A>G on the plus strand (T>C on the coding strand, the complement: FN1 is on the minus strand). VCF-style: chr2-215372057-A-G. GRCh37 (hg19) VCF-style: chr2-216236780-A-G.
Other names: c.6296T>C, p.Leu2099Pro (NM_001365517.2); c.6293T>C, p.Leu2098Pro (NM_001365518.2); c.6221T>C, p.Leu2074Pro (NM_001365519.2); c.6218T>C, p.Leu2073Pro (NM_001365520.2); c.5948T>C, p.Leu1983Pro (NM_001365523.2); c.6023T>C, p.Leu2008Pro (NM_212476.3); c.5705-42T>C (NM_212474.3); c.5897-42T>C (NM_001306132.2); and 8 more; short protein forms L2073P, L2074P, L2099P, L1983P, L2189P, L2008P, L2098P.
Identifiers: ClinVar variation 1499022 (VCV001499022.6), dbSNP rs2056301741, ClinGen allele CA350466186.

ClinVar aggregate classification (germline): Uncertain significance (1 of 4 stars; one submission).

Allele frequency attached by ClinVar (database versions not stated): gnomAD exomes below 0.00001.
gnomAD v4.1: 4 of 1,614,232 alleles (0.00025%); highest among the groups gnomAD compares: Non-Finnish European, 0.00034%; no homozygotes.

Submission:

Labcorp Genetics (formerly Invitae), Labcorp
Classification: Uncertain significance. Last evaluated: 2022-07-05. Review status: criteria provided, single submitter. Criteria: Invitae Variant Classification Sherloc (09022015). Collection method: clinical testing. Allele origin: germline.
Comment: ClinVar contains an entry for this variant (Variation ID: 1499022). In summary, the available evidence is currently insufficient to determine the role of this variant in disease. Therefore, it has been classified as a Variant of Uncertain Significance. Algorithms developed to predict the effect of missense changes on protein structure and function output the following: SIFT: "Not Available"; PolyPhen-2: "Benign"; Align-GVGD: "Not Available". The proline amino acid residue is found in multiple mammalian species, which suggests that this missense change does not adversely affect protein function. This variant has not been reported in the literature in individuals affected with FN1-related conditions. This variant is not present in population databases (gnomAD no frequency). This sequence change replaces leucine with proline at codon 2189 of the FN1 protein (p.Leu2189Pro). The leucine residue is weakly conserved and there is a moderate physicochemical difference between leucine and proline.